The following is an entry in ClinVar:

NM_000355.4(TCN2):c.926G>C (p.Cys309Ser)

Gene: TCN2 (transcobalamin 2; plus strand). Cytogenetic location: 22q12.2.
Variant type: single nucleotide variant.
Coding change: c.926G>C on transcript NM_000355.4 (MANE Select); coding-DNA position 926, G replaced by C.
Protein change: p.Cys309Ser; replaces cysteine 309 with serine.
Molecular consequence: missense variant.
Genome position (GRCh38, 1-based): chr22:30,615,773, G>C. VCF-style: chr22-30615773-G-C. GRCh37 (hg19) VCF-style: chr22-31011760-G-C.
Other names: c.845G>C, p.Cys282Ser (NM_001184726.2); short protein forms C282S, C309S.
Identifiers: ClinVar variation 1499648 (VCV001499648.5), dbSNP rs1396153308, ClinGen allele CA411213778.

ClinVar aggregate classification (germline): Uncertain significance (1 of 4 stars; one submission).

Conditions:
Transcobalamin II deficiency (TCN2D). Also called: TC II DEFICIENCY; TCN2 DEFICIENCY; Transcolabamin II deficiency. Identifiers: Orphanet 859, MedGen C0342701, MONDO:0010149, OMIM 275350.

gnomAD v4.1: 2 of 1,614,186 alleles (0.00012%); highest among the groups gnomAD compares: Middle Eastern, 0.016%; no homozygotes.

Submission:

Labcorp Genetics (formerly Invitae), Labcorp
Classification: Uncertain significance for Transcobalamin II deficiency. Last evaluated: 2021-08-14. Review status: criteria provided, single submitter. Criteria: Invitae Variant Classification Sherloc (09022015). Collection method: clinical testing. Allele origin: germline.
Comment: This sequence change replaces cysteine with serine at codon 309 of the TCN2 protein (p.Cys309Ser). The cysteine residue is highly conserved and there is a moderate physicochemical difference between cysteine and serine. This variant is not present in population databases (ExAC no frequency). This variant has not been reported in the literature in individuals affected with TCN2-related conditions. Algorithms developed to predict the effect of missense changes on protein structure and function (SIFT, PolyPhen-2, Align-GVGD) all suggest that this variant is likely to be disruptive. In summary, the available evidence is currently insufficient to determine the role of this variant in disease. Therefore, it has been classified as a Variant of Uncertain Significance.